The following is an entry in ClinVar:

NM_152701.5(ABCA13):c.11920C>T (p.Arg3974Ter)

Gene: ABCA13 (ATP binding cassette subfamily A member 13; plus strand). Cytogenetic location: 7p12.3.
Variant type: single nucleotide variant.
Coding change: c.11920C>T on transcript NM_152701.5 (MANE Select); coding-DNA position 11920, C replaced by T.
Protein change: p.Arg3974Ter; replaces arginine 3974 with a stop codon.
Molecular consequence: nonsense.
Genome position (GRCh38, 1-based): chr7:48,403,729, C>T. VCF-style: chr7-48403729-C-T. GRCh37 (hg19) VCF-style: chr7-48443326-C-T.
Other names: short protein forms R3974*.
Identifiers: ClinVar variation 402330 (VCV000402330.4), dbSNP rs544438554, ClinGen allele CA4258784.

ClinVar aggregate classification (germline): Uncertain significance (1 of 4 stars; one submission).

Allele frequency attached by ClinVar (database versions not stated): gnomAD 0.00001 and 0.00006; TOPMed 0.00005; gnomAD exomes 0.00008 and 0.00020; 1000 Genomes Project 30x 0.00016; 1000 Genomes Project 0.00020; ExAC 0.00022.
gnomAD v4.1: 139 of 1,613,968 alleles (0.0086%); highest among the groups gnomAD compares: South Asian, 0.13%; no homozygotes.

Submission:

Laboratory for Molecular Medicine, Mass General Brigham Personalized Medicine
Classification: Uncertain significance. Last evaluated: 2016-03-29. Review status: criteria provided, single submitter. Criteria: LMM Criteria. Collection method: clinical testing. Allele origin: germline.
Comment: Variant identified in a genome or exome case(s) and assessed due to predicted null impact of the variant or pathogenic assertions in the literature or databases. Disclaimer: This variant has not undergone full assessment. The following are preliminary notes: Gene primarily associated with neurological disorders (schizophrenia, bipolar, depression). Another study found that ABCA13 expression was upregulated in colorectal tumors. Overall, I don't think there's enough evidence to say this gene has a role in cancers. Also not a particularly rare variant.